The following is an entry in ClinVar:

NM_000514.4(GDNF):c.121C>A (p.Arg41Ser)

Gene: GDNF (glial cell derived neurotrophic factor; minus strand). Cytogenetic location: 5p13.2.
Variant type: single nucleotide variant.
Coding change: c.121C>A on transcript NM_000514.4 (MANE Select); coding-DNA position 121, C replaced by A.
Protein change: p.Arg41Ser; replaces arginine 41 with serine.
Molecular consequence: missense variant. On other transcripts: intron variant (3).
Genome position (GRCh38, 1-based): chr5:37,834,676, G>T on the plus strand (C>A on the coding strand, the complement: GDNF is on the minus strand). VCF-style: chr5-37834676-G-T. GRCh37 (hg19) VCF-style: chr5-37834778-G-T.
Other names: c.172C>A, p.Arg58Ser (NM_001190468.1); c.124+48C>A (NM_001190469.1); c.73+48C>A (NM_199231.2); c.-86+48C>A (NM_001278098.1); short protein forms R41S, R58S.
Identifiers: ClinVar variation 1320480 (VCV001320480.2), dbSNP rs1750637562, ClinGen allele CA359614799.

ClinVar aggregate classification (germline): Uncertain significance (1 of 4 stars; one submission).

Submission:

GeneDx
Classification: Uncertain significance. Last evaluated: 2020-03-04. Review status: criteria provided, single submitter. Criteria: GeneDx Variant Classification Process June 2021. Collection method: clinical testing. Allele origin: germline. Affected: yes.
Comment: Not observed in large population cohorts (Lek et al., 2016); In silico analysis, which includes protein predictors and evolutionary conservation, supports that this variant does not alter protein structure/function; Has not been previously published as pathogenic or benign to our knowledge